The following is an entry in ClinVar:

NM_001035.3(RYR2):c.5593G>A (p.Glu1865Lys)

Gene: RYR2 (ryanodine receptor 2; plus strand). Cytogenetic location: 1q43.
Variant type: single nucleotide variant.
Coding change: c.5593G>A on transcript NM_001035.3 (MANE Select); coding-DNA position 5593, G replaced by A.
Protein change: p.Glu1865Lys; replaces glutamic acid 1865 with lysine.
Molecular consequence: missense variant.
Genome position (GRCh38, 1-based): chr1:237,614,721, G>A. VCF-style: chr1-237614721-G-A. GRCh37 (hg19) VCF-style: chr1-237778021-G-A.
Other names: c.5593G>A, p.Glu1865Lys (LRG_402t1); short protein forms E1865K.
Identifiers: ClinVar variation 629501 (VCV000629501.20), dbSNP rs553819263, ClinGen allele CA086915.

ClinVar aggregate classification (germline): Conflicting classifications of pathogenicity. Review status: criteria provided, conflicting classifications (1 of 4 stars). 4 submissions from 4 submitters: Uncertain significance (2); Likely benign (2). Last evaluated 2025-12-08.

Conditions:
Catecholaminergic polymorphic ventricular tachycardia (CVPT). Also called: Catecholamine-induced polymorphic ventricular tachycardia. Identifiers: Orphanet 3286, MedGen C5574922, MONDO:0017990.
Catecholaminergic polymorphic ventricular tachycardia 1. Also called: RYR2-Related Catecholaminergic Polymorphic Ventricular Tachycardia; VENTRICULAR TACHYCARDIA, CATECHOLAMINERGIC POLYMORPHIC, 1, WITH OR WITHOUT ATRIAL DYSFUNCTION AND/OR DILATED CARDIOMYOPATHY; VENTRICULAR TACHYCARDIA, STRESS-INDUCED POLYMORPHIC 1. Identifiers: Orphanet 3286, MedGen C1631597, MONDO:0011484, OMIM 604772.
Cardiovascular phenotype. Identifiers: MedGen CN230736.
Cardiomyopathy (CMYO). Also called: Cardiomyopathies. Identifiers: Orphanet 167848, MedGen C0878544, MONDO:0004994, HP:0001638. Inheritance: Various modes of inheritance.

Allele frequency attached by ClinVar (database versions not stated): ExAC 0.00003; gnomAD exomes 0.00004; 1000 Genomes Project 30x 0.00016; 1000 Genomes Project 0.00020.
gnomAD v4.1: 34 of 1,614,030 alleles (0.0021%); highest among the groups gnomAD compares: South Asian, 0.035%; no homozygotes.

Submissions (4):

Labcorp Genetics (formerly Invitae), Labcorp
Classification: Likely benign for Catecholaminergic polymorphic ventricular tachycardia 1. Last evaluated: 2025-12-08. Review status: criteria provided, single submitter. Criteria: Invitae Variant Classification Sherloc (09022015). Collection method: clinical testing. Allele origin: germline.

Ambry Genetics
Classification: Likely benign for Cardiovascular phenotype. Last evaluated: 2025-12-01. Review status: criteria provided, single submitter. Criteria: Ambry Variant Classification Scheme 2023. Collection method: clinical testing. Allele origin: germline.

All of Us Research Program, National Institutes of Health
Classification: Uncertain significance for Catecholaminergic polymorphic ventricular tachycardia. Last evaluated: 2024-04-16. Review status: criteria provided, single submitter. Criteria: ACMG Guidelines, 2015. Collection method: clinical testing. Allele origin: germline. Inheritance: Autosomal dominant inheritance. Observed: 2 variant alleles, 2 heterozygotes.
Comment: This missense variant replaces glutamic acid with lysine at codon 1865 of the RYR2 protein. Computational prediction suggests that this variant may not impact protein structure and function (internally defined REVEL score threshold <= 0.5, PMID: 27666373). To our knowledge, functional studies have not been reported for this variant. This variant has not been reported in individuals affected with RYR2-related disorders in the literature. This variant has been identified in 10/248348 chromosomes in the general population by the Genome Aggregation Database (gnomAD). The available evidence is insufficient to determine the role of this variant in disease conclusively. Therefore, this variant is classified as a Variant of Uncertain Significance.

This study involves interpretation of variants in research participants for the purpose of population health screening. Participant phenotype was not available at the time of variant classification. Additional details can be found in publication PMID: 35346344, PMCID: PMC8962531

Color Diagnostics, LLC DBA Color Health
Classification: Uncertain significance for Cardiomyopathy. Last evaluated: 2024-03-06. Review status: criteria provided, single submitter. Criteria: ACMG Guidelines, 2015. Collection method: clinical testing. Allele origin: germline.
Comment: This missense variant replaces glutamic acid with lysine at codon 1865 of the RYR2 protein. Computational prediction suggests that this variant may not impact protein structure and function (internally defined REVEL score threshold <= 0.5, PMID: 27666373). To our knowledge, functional studies have not been reported for this variant. This variant has not been reported in individuals affected with RYR2-related disorders in the literature. This variant has been identified in 10/248348 chromosomes in the general population by the Genome Aggregation Database (gnomAD). The available evidence is insufficient to determine the role of this variant in disease conclusively. Therefore, this variant is classified as a Variant of Uncertain Significance.